The following is an entry in ClinVar:

ClinVar aggregate classification (germline): Uncertain significance (1 of 4 stars; one submission).

Conditions:
Hereditary cancer-predisposing syndrome. Also called: Neoplastic Syndromes, Hereditary; Tumor predisposition; Hereditary neoplastic syndrome; Hereditary Cancer Syndrome. Identifiers: Orphanet 140162, MedGen C0027672, MeSH D009386, MONDO:0015356.

Submission:

Ambry Genetics
Classification: Uncertain significance for Hereditary cancer-predisposing syndrome. Last evaluated: 2026-07-07. Review status: criteria provided, single submitter. Criteria: Ambry Variant Classification Scheme 2023. Collection method: clinical testing. Allele origin: germline.
Comment: The p.I531S variant (also known as c.1592T>G), located in coding exon 5 of the AXIN2 gene, results from a T to G substitution at nucleotide position 1592. The isoleucine at codon 531 is replaced by serine, an amino acid with dissimilar properties. This amino acid position is conserved. In addition, this alteration is predicted to be tolerated by in silico analysis. Based on the available evidence, the clinical significance of this variant remains unclear.

NM_004655.4(AXIN2):c.1592T>G (p.Ile531Ser)

Gene: AXIN2 (axin 2; minus strand). Cytogenetic location: 17q24.1.
Variant type: single nucleotide variant.
Coding change: c.1592T>G on transcript NM_004655.4 (MANE Select); coding-DNA position 1592, T replaced by G.
Protein change: p.Ile531Ser; replaces isoleucine 531 with serine.
Molecular consequence: missense variant.
Genome position (GRCh38, 1-based): chr17:65,537,444, A>C on the plus strand (T>G on the coding strand, the complement: AXIN2 is on the minus strand). VCF-style: chr17-65537444-A-C. GRCh37 (hg19) VCF-style: chr17-63533562-A-C.
Other names: c.1592T>G, p.Ile531Ser (NM_001363813.1); short protein forms I531S.
Identifiers: ClinVar variation 5032621 (VCV005032621.1).